The following is an entry in ClinVar:

ClinVar aggregate classification (germline): Uncertain significance. Review status: criteria provided, multiple submitters, no conflicts (2 of 4 stars). 3 submissions from 3 submitters: Uncertain significance (3). Last evaluated 2025-05-14.

Conditions:
Congenital myasthenic syndrome 10. Also called: Myasthenia, limb-girdle, familial. Identifiers: Orphanet 590, MedGen C1850792, MONDO:0009690, OMIM 254300.
Fetal akinesia deformation sequence 1 (FADS1). Also called: Fetal akinesia sequence; Pena-Shokeir syndrome type I. Identifiers: Orphanet 994, MedGen C1276035, MONDO:0100101, OMIM 208150, HP:0001989.

Allele frequency attached by ClinVar (database versions not stated): TOPMed 0.00004; gnomAD 0.00005 and 0.00006; gnomAD exomes 0.00005; ExAC 0.00006; ESP Exome Variant Server 0.00008.
gnomAD v4.1: 73 of 1,564,632 alleles (0.0047%); highest among the groups gnomAD compares: Middle Eastern, 0.023%; no homozygotes.

Submissions (3):

Revvity Omics, Revvity
Classification: Uncertain significance. Last evaluated: 2025-05-14. Review status: criteria provided, single submitter. Criteria: ACMG Guidelines, 2015. Collection method: clinical testing. Allele origin: germline.

Blueprint Genetics
Classification: Uncertain significance. Last evaluated: 2024-02-12. Review status: criteria provided, single submitter. Criteria: ACMG Guidelines, 2015. Collection method: clinical testing. Allele origin: germline.

Labcorp Genetics (formerly Invitae), Labcorp
Classification: Uncertain significance for Congenital myasthenic syndrome 10; Fetal akinesia deformation sequence 1. Last evaluated: 2022-09-12. Review status: criteria provided, single submitter. Criteria: Invitae Variant Classification Sherloc (09022015). Collection method: clinical testing. Allele origin: germline.
Comment: This sequence change affects codon 109 of the DOK7 mRNA. It is a 'silent' change, meaning that it does not change the encoded amino acid sequence of the DOK7 protein. This variant is present in population databases (rs377367035, gnomAD 0.009%). This variant has not been reported in the literature in individuals affected with DOK7-related conditions. ClinVar contains an entry for this variant (Variation ID: 465685). Algorithms developed to predict the effect of sequence changes on RNA splicing suggest that this variant may create or strengthen a splice site. In summary, the available evidence is currently insufficient to determine the role of this variant in disease. Therefore, it has been classified as a Variant of Uncertain Significance.

NM_173660.5(DOK7):c.327C>T (p.Gly109=)

Gene: DOK7 (docking protein 7; plus strand). Cytogenetic location: 4p16.3.
Variant type: single nucleotide variant.
Coding change: c.327C>T on transcript NM_173660.5 (MANE Select); coding-DNA position 327, C replaced by T.
Protein change: p.Gly109=; no amino-acid change (glycine 109 retained).
Molecular consequence: synonymous variant. On other transcripts: intron variant (1).
Genome position (GRCh38, 1-based): chr4:3,473,632, C>T. VCF-style: chr4-3473632-C-T. GRCh37 (hg19) VCF-style: chr4-3475359-C-T.
Other names: c.327C>T, p.Gly109= (NM_001164673.2, NM_001301071.2); c.100+10081C>T (NM_001363811.2).
Identifiers: ClinVar variation 465685 (VCV000465685.10), dbSNP rs377367035, ClinGen allele CA2828933.